The following is an entry in ClinVar:

ClinVar aggregate classification (germline): Pathogenic (1 of 4 stars; one submission).

Submission:

Labcorp Genetics (formerly Invitae), Labcorp
Classification: Pathogenic. Last evaluated: 2021-07-18. Review status: criteria provided, single submitter. Criteria: Invitae Variant Classification Sherloc (09022015). Collection method: clinical testing. Allele origin: germline.
Comment: For these reasons, this variant has been classified as Pathogenic. Algorithms developed to predict the effect of sequence changes on RNA splicing suggest that this variant may create or strengthen a splice site. This variant has not been reported in the literature in individuals affected with COL7A1-related conditions. This variant is not present in population databases (ExAC no frequency). This sequence change creates a premature translational stop signal (p.Leu135Alafs*45) in the COL7A1 gene. It is expected to result in an absent or disrupted protein product. Loss-of-function variants in COL7A1 are known to be pathogenic (PMID: 16971478).

Literature cited by the submitters: PubMed 16971478.

NM_000094.4(COL7A1):c.402dup (p.Leu135fs)

Gene: COL7A1 (collagen type VII alpha 1 chain; minus strand). Cytogenetic location: 3p21.31.
Variant type: Duplication.
Coding change: c.402dup on transcript NM_000094.4 (MANE Select); coding-DNA position 402, one base duplicated (G; older notation c.402dupG).
Protein change: p.Leu135fs; shifts the reading frame from leucine 135.
Molecular consequence: frameshift variant.
Genome position (GRCh38, 1-based): chr3:48,593,561, C duplicated on the plus strand (G on the coding strand, the reverse complement: COL7A1 is on the minus strand). VCF-style (leftmost placement, unchanged base first): chr3-48593560-G-GC. GRCh37 (hg19) VCF-style: chr3-48630993-G-GC.
Other names: short protein forms L135fs.
Identifiers: ClinVar variation 1459813 (VCV001459813.6), dbSNP rs2107801259, ClinGen allele CA2573137052.
Genomic context (GRCh38, chr3:48,593,560, plus strand): 5'-GGGTCATCTTGGGAGGCATGGTAGGGGTAGGGATCACCTTGGGGACACCAGGTCGGGCCA[G>GC]CTGGGGCAGGAAGACATGGTCAGCCACATGGAGAATTGCAGCCCCTGTGCGAGTGTTGCC-3'